The following is an entry in ClinVar:

ClinVar aggregate classification (germline): Pathogenic (1 of 4 stars; one submission).

Submission:

Labcorp Genetics (formerly Invitae), Labcorp
Classification: Pathogenic. Last evaluated: 2020-09-27. Review status: criteria provided, single submitter. Criteria: Invitae Variant Classification Sherloc (09022015). Collection method: clinical testing. Allele origin: germline.
Comment: This sequence change creates a premature translational stop signal (p.Glu305*) in the COL4A5 gene. It is expected to result in an absent or disrupted protein product. This variant is not present in population databases (ExAC no frequency). This variant has been observed in individual(s) with clinical features of Alport syndrome (PMID: 10094548). This variant is also known as 1115G>T, E305X. ClinVar contains an entry for this variant (Variation ID: 24341). Loss-of-function variants in COL4A5 are known to be pathogenic (PMID: 9195222, 10752524, 14514738, 24854265, 26809805). For these reasons, this variant has been classified as Pathogenic.

Literature cited by the submitters: PubMed 10094548; PubMed 9195222; PubMed 10752524; PubMed 14514738; PubMed 24854265; PubMed 26809805.

NM_033380.3(COL4A5):c.913G>T (p.Glu305Ter)

Gene: COL4A5 (collagen type IV alpha 5 chain; plus strand). Cytogenetic location: Xq22.3.
Variant type: single nucleotide variant.
Coding change: c.913G>T on transcript NM_033380.3 (MANE Select); coding-DNA position 913, G replaced by T.
Protein change: p.Glu305Ter; replaces glutamic acid 305 with a stop codon.
Molecular consequence: nonsense.
Genome position (GRCh38, 1-based): chrX:108,581,004, G>T. VCF-style: chrX-108581004-G-T. GRCh37 (hg19) VCF-style: chrX-107824234-G-T.
Other names: c.913G>T, p.Glu305Ter (NM_000495.5); short protein forms E305*.
Identifiers: ClinVar variation 24341 (VCV000024341.10), dbSNP rs104886081, ClinGen allele CA258353.